The following is an entry in ClinVar:

ClinVar aggregate classification (germline): Likely benign. Review status: criteria provided, multiple submitters, no conflicts (2 of 4 stars). 4 submissions from 4 submitters: Likely benign (3). 1 of the submissions does not count toward it. Last evaluated 2026-08-01.

Conditions:
KMT2A-related disorder. Also called: KMT2A-related condition.

Allele frequency attached by ClinVar (database versions not stated): gnomAD exomes 0.00002 and 0.00005; TOPMed 0.00003; ExAC 0.00005.
gnomAD v4.1: 13 of 1,596,272 alleles (0.00081%); highest among the groups gnomAD compares: Admixed American, 0.023%; no homozygotes.

Submissions (4):

CeGaT Center for Human Genetics Tuebingen
Classification: Likely benign. Last evaluated: 2026-08-01. Review status: criteria provided, single submitter. Criteria: CeGaT Center For Human Genetics Tuebingen Variant Classification Criteria Version 2. Collection method: clinical testing. Allele origin: germline. Affected: yes. Observed: 1 variant allele.
Comment: KMT2A: BP4, BP7

Labcorp Genetics (formerly Invitae), Labcorp
Classification: Likely benign. Last evaluated: 2025-09-23. Review status: criteria provided, single submitter. Criteria: Invitae Variant Classification Sherloc (09022015). Collection method: clinical testing. Allele origin: germline.

GeneDx
Classification: Likely benign. Last evaluated: 2021-04-23. Review status: criteria provided, single submitter. Criteria: GeneDx Variant Classification Process June 2021. Collection method: clinical testing. Allele origin: germline. Affected: yes.

PreventionGenetics, part of Exact Sciences
Classification: Likely benign for KMT2A-related condition. Last evaluated: 2022-11-16. Review status: no assertion criteria provided. Collection method: clinical testing. Allele origin: germline. Not counted in ClinVar's aggregate classification.
Comment: This variant is classified as likely benign based on ACMG/AMP sequence variant interpretation guidelines (Richards et al. 2015 PMID: 25741868, with internal and published modifications).

NM_001197104.2(KMT2A):c.6516C>G (p.Thr2172=)

Gene: KMT2A (lysine methyltransferase 2A; plus strand). Cytogenetic location: 11q23.3.
Variant type: single nucleotide variant.
Coding change: c.6516C>G on transcript NM_001197104.2 (MANE Select); coding-DNA position 6516, C replaced by G.
Protein change: p.Thr2172=; no amino-acid change (threonine 2172 retained).
Molecular consequence: synonymous variant.
Genome position (GRCh38, 1-based): chr11:118,502,408, C>G. VCF-style: chr11-118502408-C-G. GRCh37 (hg19) VCF-style: chr11-118373123-C-G.
Other names: c.6507C>G, p.Thr2169= (NM_005933.4).
Identifiers: ClinVar variation 753675 (VCV000753675.13), dbSNP rs782075035, ClinGen allele CA6304268.
Genomic context (GRCh38, chr11:118,502,408, plus strand): 5'-ACATTTGTTCTATCTACAATAGCATTTATTACTTTTTCTCTCTTGTTTAGGAAGTCCTAC[C>G]CCAACCACTCATGAAATAGTCACAGTAGGTGATCCTTTACTCTCCTCTGGACTTCGAAGC-3'
Protein context (NP_001184033.1, residues 2162-2182): CRPLPSAGSP[Thr2172=]PTTHEIVTVG